The following is an entry in ClinVar:

ClinVar aggregate classification (germline): Uncertain significance (1 of 4 stars; one submission).

Conditions:
Werner syndrome (WRN). Identifiers: Orphanet 902, MedGen C0043119, MONDO:0010196, OMIM 277700.

Submission:

Labcorp Genetics (formerly Invitae), Labcorp
Classification: Uncertain significance for Werner syndrome. Last evaluated: 2023-05-25. Review status: criteria provided, single submitter. Criteria: Invitae Variant Classification Sherloc (09022015). Collection method: clinical testing. Allele origin: germline.
Comment: In summary, the available evidence is currently insufficient to determine the role of this variant in disease. Therefore, it has been classified as a Variant of Uncertain Significance. Algorithms developed to predict the effect of sequence changes on RNA splicing suggest that this variant may disrupt the consensus splice site. This variant has not been reported in the literature in individuals affected with WRN-related conditions. This variant is not present in population databases (gnomAD no frequency). This sequence change falls in intron 2 of the WRN gene. It does not directly change the encoded amino acid sequence of the WRN protein.

NM_000553.6(WRN):c.97-8A>T

Gene: WRN (WRN RecQ like helicase; plus strand). Cytogenetic location: 8p12.
Variant type: single nucleotide variant.
Coding change: c.97-8A>T on transcript NM_000553.6 (MANE Select); 8 bases into the intron before coding-DNA position 97, A replaced by T.
Molecular consequence: intron variant.
Genome position (GRCh38, 1-based): chr8:31,059,145, A>T. VCF-style: chr8-31059145-A-T. GRCh37 (hg19) VCF-style: chr8-30916661-A-T.
Identifiers: ClinVar variation 2716678 (VCV002716678.3), dbSNP rs2487269083, ClinGen allele CA2697549795.